The following is an entry in ClinVar:

NM_001378454.1(ALMS1):c.6232C>T (p.Pro2078Ser)

Gene: ALMS1 (ALMS1 centrosome and basal body associated protein; plus strand). Cytogenetic location: 2p13.1.
Variant type: single nucleotide variant.
Coding change: c.6232C>T on transcript NM_001378454.1 (MANE Select); coding-DNA position 6232, C replaced by T.
Protein change: p.Pro2078Ser; replaces proline 2078 with serine.
Molecular consequence: missense variant.
Genome position (GRCh38, 1-based): chr2:73,452,759, C>T. VCF-style: chr2-73452759-C-T. GRCh37 (hg19) VCF-style: chr2-73679886-C-T.
Other names: c.6235C>T, p.Pro2079Ser (NM_015120.4); short protein forms P2079S, P2078S.
Identifiers: ClinVar variation 1347807 (VCV001347807.3), dbSNP rs1050140750, ClinGen allele CA347285369.

ClinVar aggregate classification (germline): Uncertain significance (1 of 4 stars; one submission).

Conditions:
Alstrom syndrome (ALMS). Identifiers: Orphanet 64, MedGen C0268425, MONDO:0008763, OMIM 203800.

gnomAD v4.1: 2 of 1,613,296 alleles (0.00012%); highest among the groups gnomAD compares: Non-Finnish European, 0.00017%; no homozygotes.

Submission:

Labcorp Genetics (formerly Invitae), Labcorp
Classification: Uncertain significance for Alstrom syndrome. Last evaluated: 2021-04-14. Review status: criteria provided, single submitter. Criteria: Invitae Variant Classification Sherloc (09022015). Collection method: clinical testing. Allele origin: germline.
Comment: This sequence change replaces proline with serine at codon 2079 of the ALMS1 protein (p.Pro2079Ser). The proline residue is weakly conserved and there is a moderate physicochemical difference between proline and serine. This variant is not present in population databases (ExAC no frequency). This variant has not been reported in the literature in individuals with ALMS1-related conditions. Experimental studies and prediction algorithms are not available or were not evaluated, and the functional significance of this variant is currently unknown. In summary, the available evidence is currently insufficient to determine the role of this variant in disease. Therefore, it has been classified as a Variant of Uncertain Significance.